The following is an entry in ClinVar:

ClinVar aggregate classification (germline): Uncertain significance (1 of 4 stars; one submission).

Submission:

Labcorp Genetics (formerly Invitae), Labcorp
Classification: Uncertain significance. Last evaluated: 2020-07-07. Review status: criteria provided, single submitter. Criteria: Invitae Variant Classification Sherloc (09022015). Collection method: clinical testing. Allele origin: germline.
Comment: In summary, the available evidence is currently insufficient to determine the role of this variant in disease. Therefore, it has been classified as a Variant of Uncertain Significance. Algorithms developed to predict the effect of missense changes on protein structure and function (SIFT, PolyPhen-2, Align-GVGD) all suggest that this variant is likely to be disruptive, but these predictions have not been confirmed by published functional studies and their clinical significance is uncertain. This variant has not been reported in the literature in individuals with LZTR1-related conditions. This variant is not present in population databases (ExAC no frequency). This sequence change replaces phenylalanine with serine at codon 390 of the LZTR1 protein (p.Phe390Ser). The phenylalanine residue is highly conserved and there is a large physicochemical difference between phenylalanine and serine.

NM_006767.4(LZTR1):c.1169T>C (p.Phe390Ser)

Gene: LZTR1 (leucine zipper like post translational regulator 1; plus strand). Cytogenetic location: 22q11.21.
Variant type: single nucleotide variant.
Coding change: c.1169T>C on transcript NM_006767.4 (MANE Select); coding-DNA position 1169, T replaced by C.
Protein change: p.Phe390Ser; replaces phenylalanine 390 with serine.
Molecular consequence: missense variant.
Genome position (GRCh38, 1-based): chr22:20,992,813, T>C. VCF-style: chr22-20992813-T-C. GRCh37 (hg19) VCF-style: chr22-21347102-T-C.
Other names: short protein forms F390S.
Identifiers: ClinVar variation 1014608 (VCV001014608.8), dbSNP rs1924653127, ClinGen allele CA410773678.